The following is an entry in ClinVar:

NM_152309.3(PIK3AP1):c.775G>A (p.Val259Ile)

Gene: PIK3AP1 (phosphoinositide-3-kinase adaptor protein 1; minus strand). Cytogenetic location: 10q24.1.
Variant type: single nucleotide variant.
Coding change: c.775G>A on transcript NM_152309.3 (MANE Select); coding-DNA position 775, G replaced by A.
Protein change: p.Val259Ile; replaces valine 259 with isoleucine.
Molecular consequence: missense variant.
Genome position (GRCh38, 1-based): chr10:96,651,589, C>T on the plus strand (G>A on the coding strand, the complement: PIK3AP1 is on the minus strand). VCF-style: chr10-96651589-C-T. GRCh37 (hg19) VCF-style: chr10-98411346-C-T.
Other names: c.775G>A (NM_152309.2); short protein forms V259I.
Identifiers: ClinVar variation 1357744 (VCV001357744.8), dbSNP rs374586750, ClinGen allele CA5626452.

ClinVar aggregate classification (germline): Uncertain significance. Review status: criteria provided, multiple submitters, no conflicts (2 of 4 stars). 2 submissions from 2 submitters: Uncertain significance (2). Last evaluated 2025-08-14.

Conditions:
Infantile spasms. Also called: Infantile spasm. Identifiers: MedGen C3887898, HP:0012469.

Allele frequency attached by ClinVar (database versions not stated): gnomAD exomes 0.00004 and 0.00006; ExAC 0.00007; TOPMed 0.00008; ESP Exome Variant Server 0.00015.
gnomAD v4.1: 79 of 1,613,952 alleles (0.0049%); highest among the groups gnomAD compares: African/African-American, 0.012%; no homozygotes.

Submissions (2):

Ambry Genetics
Classification: Uncertain significance. Last evaluated: 2025-08-14. Review status: criteria provided, single submitter. Criteria: Ambry Variant Classification Scheme 2023. Collection method: clinical testing. Allele origin: germline.

Labcorp Genetics (formerly Invitae), Labcorp
Classification: Uncertain significance for Infantile spasms. Last evaluated: 2023-11-27. Review status: criteria provided, single submitter. Criteria: Invitae Variant Classification Sherloc (09022015). Collection method: clinical testing. Allele origin: germline.
Comment: This sequence change replaces valine, which is neutral and non-polar, with isoleucine, which is neutral and non-polar, at codon 259 of the PIK3AP1 protein (p.Val259Ile). This variant is present in population databases (rs374586750, gnomAD 0.02%). This variant has not been reported in the literature in individuals affected with PIK3AP1-related conditions. ClinVar contains an entry for this variant (Variation ID: 1357744). Algorithms developed to predict the effect of missense changes on protein structure and function output the following: SIFT: "Not Available"; PolyPhen-2: "Benign"; Align-GVGD: "Not Available". The isoleucine amino acid residue is found in multiple mammalian species, which suggests that this missense change does not adversely affect protein function. In summary, the available evidence is currently insufficient to determine the role of this variant in disease. Therefore, it has been classified as a Variant of Uncertain Significance.